The following is an entry in ClinVar:

NM_015072.5(TTLL5):c.2501G>T (p.Ser834Ile)

Gene: TTLL5 (tubulin tyrosine ligase like 5; plus strand). Cytogenetic location: 14q24.3.
Variant type: single nucleotide variant.
Coding change: c.2501G>T on transcript NM_015072.5 (MANE Select); coding-DNA position 2501, G replaced by T.
Protein change: p.Ser834Ile; replaces serine 834 with isoleucine.
Molecular consequence: missense variant.
Genome position (GRCh38, 1-based): chr14:75,779,688, G>T. VCF-style: chr14-75779688-G-T. GRCh37 (hg19) VCF-style: chr14-76246031-G-T.
Other names: short protein forms S834I.
Identifiers: ClinVar variation 1433688 (VCV001433688.9), dbSNP rs774808403, ClinGen allele CA390470556.

ClinVar aggregate classification (germline): Uncertain significance. Review status: criteria provided, multiple submitters, no conflicts (2 of 4 stars). 2 submissions from 2 submitters: Uncertain significance (2). Last evaluated 2021-07-31.

Allele frequency attached by ClinVar (database versions not stated): TOPMed below 0.00001.
gnomAD v4.1: 9 of 1,612,458 alleles (0.00056%); highest among the groups gnomAD compares: Non-Finnish European, 0.00059%; no homozygotes.

Submissions (2):

Labcorp Genetics (formerly Invitae), Labcorp
Classification: Uncertain significance. Last evaluated: 2021-07-31. Review status: criteria provided, single submitter. Criteria: Invitae Variant Classification Sherloc (09022015). Collection method: clinical testing. Allele origin: germline.
Comment: This variant has not been reported in the literature in individuals with TTLL5-related conditions. This sequence change replaces serine with isoleucine at codon 834 of the TTLL5 protein (p.Ser834Ile). The serine residue is moderately conserved and there is a large physicochemical difference between serine and isoleucine. This variant is not present in population databases (ExAC no frequency). Algorithms developed to predict the effect of missense changes on protein structure and function are either unavailable or do not agree on the potential impact of this missense change (SIFT: "Deleterious"; PolyPhen-2: "Benign"; Align-GVGD: "Class C0"). In summary, the available evidence is currently insufficient to determine the role of this variant in disease. Therefore, it has been classified as a Variant of Uncertain Significance.

Blueprint Genetics
Classification: Uncertain significance. Last evaluated: 2018-08-24. Review status: criteria provided, single submitter. Criteria: ACMG Guidelines, 2015. Collection method: clinical testing. Allele origin: germline.